The following is an entry in ClinVar:

ClinVar aggregate classification (germline): Pathogenic (1 of 4 stars; one submission).

Conditions:
Inborn genetic diseases. Identifiers: MedGen C0950123, MeSH D030342.

Submission:

Ambry Genetics
Classification: Pathogenic for Inborn genetic diseases. Last evaluated: 2026-05-22. Review status: criteria provided, single submitter. Criteria: Ambry Variant Classification Scheme 2023. Collection method: clinical testing. Allele origin: germline.
Comment: The c.4872delC (p.F1625Sfs*6) alteration, located in exon 22 (coding exon 22) of the SHANK3 gene, consists of a deletion of one nucleotide at position 4872, causing a translational frameshift with a predicted alternate stop codon after 6 amino acids. This variant is not expected to trigger nonsense-mediated mRNA decay, and impacts the last 6.6%of the protein. However, premature stop codons are typically deleterious in nature, the impacted region is critical for protein function, and a significant portion of the protein is affected (Ambry internal data). This variant was not reported in population-based cohorts in the Genome Aggregation Database (gnomAD). Based on the available evidence, this alteration is classified as pathogenic.

NM_001372044.2(SHANK3):c.5097del (p.Phe1700fs)

Gene: SHANK3 (SH3 and multiple ankyrin repeat domains 3; plus strand). Cytogenetic location: 22q13.33.
Variant type: Deletion.
Coding change: c.5097del on transcript NM_001372044.2 (MANE Select); coding-DNA position 5097, one base deleted (C; older notation c.5097delC).
Protein change: p.Phe1700fs; shifts the reading frame from phenylalanine 1700.
Molecular consequence: frameshift variant.
Genome position (GRCh38, 1-based): chr22:50,730,988, C deleted. VCF-style (leftmost placement, unchanged base first): chr22-50730987-GC-G. GRCh37 (hg19) VCF-style: chr22-51169415-GC-G.
Other names: c.4872delC (NM_033517.1); short protein forms F1700fs.
Identifiers: ClinVar variation 4864491 (VCV004864491.1).